The following is an entry in ClinVar:

NM_006516.4(SLC2A1):c.87del (p.Asn29fs)

Gene: SLC2A1 (solute carrier family 2 member 1; minus strand). Cytogenetic location: 1p34.2.
Variant type: Deletion.
Coding change: c.87del on transcript NM_006516.4 (MANE Select); coding-DNA position 87, one base deleted (C; older notation c.87delC).
Protein change: p.Asn29fs; shifts the reading frame from asparagine 29.
Molecular consequence: frameshift variant.
Genome position (GRCh38, 1-based): chr1:42,943,253, G deleted on the plus strand (C on the coding strand, the reverse complement: SLC2A1 is on the minus strand). VCF-style (leftmost placement, unchanged base first): chr1-42943252-TG-T. GRCh37 (hg19) VCF-style: chr1-43408923-TG-T.
Other names: c.87delC (NM_006516.4); short protein forms N29fs.
Identifiers: ClinVar variation 4884882 (VCV004884882.1).
Genomic context (GRCh38, chr1:42,943,252, plus strand): 5'-GGTGTCCATAAGCCAACGATGGCACAGTACTCACCTTCTGGGGGGCATTGATGACTCCAG[TG>T]TTGTAGCCAAACTGCAGGGAGCCAAGCACTGCTCCTCCCACGGCCAGCATGAGGCGACCC-3'

ClinVar aggregate classification (germline): Likely pathogenic (1 of 4 stars; one submission).

Conditions:
Encephalopathy due to GLUT1 deficiency. Also called: GLUCOSE TRANSPORT DEFECT, BLOOD-BRAIN BARRIER; De Vivo disease; Glucose transporter protein syndrome; GLUT1 deficiency syndrome 1; GLUT1 deficiency syndrome 1, infantile onset, severe; Classic Glucose Transporter Type 1 Deficiency Syndrome. Identifiers: Orphanet 71277, MedGen C4551966, MONDO:0011724, OMIM 606777.

Submission:

Genetics laboratory, Institute of Kidney Diseases & Research Centre Dr. H.L. Trivedi Institute Of Transplantation Sciences
Classification: Likely pathogenic for Encephalopathy due to GLUT1 deficiency. Last evaluated: 2026-03-16. Review status: criteria provided, single submitter. Criteria: ACMG Guidelines, 2015. Collection method: clinical testing. Allele origin: germline. Inheritance: Autosomal dominant inheritance. Affected: yes. Observed: 1 variant allele, 1 heterozygote.
Comment: A heterozygous frameshift variant, c.87delC (p.Asn29Lysfs*11), was identified in the SLC2A1 gene. The variant introduces a premature termination codon early in the coding sequence and is predicted to result in loss of normal SLC2A1 protein function (PVS1). Loss of function is an established disease mechanism for SLC2A1-related GLUT1 deficiency syndrome. The variant is absent or sufficiently rare in population databases (PM2). Based on the combined evidence of PVS1 and PM2, the variant is classified as Likely Pathogenic according to the ACMG/AMP guidelines.